The following is an entry in ClinVar:

ClinVar aggregate classification (germline): Uncertain significance. Review status: criteria provided, multiple submitters, no conflicts (2 of 4 stars). 2 submissions from 2 submitters: Uncertain significance (2). Last evaluated 2023-08-28.

Conditions:
Long QT syndrome 2 (LQT2). Identifiers: Orphanet 101016, Orphanet 768, MedGen C3150943, MONDO:0013367, OMIM 613688.

Submissions (2):

Blueprint Genetics
Classification: Uncertain significance. Last evaluated: 2023-08-28. Review status: criteria provided, single submitter. Criteria: ACMG Guidelines, 2015. Collection method: clinical testing. Allele origin: germline.

Victorian Clinical Genetics Services, Murdoch Childrens Research Institute
Classification: Uncertain significance for Long QT syndrome 2. Last evaluated: 2023-07-17. Review status: criteria provided, single submitter. Criteria: ACMG Guidelines, 2015. Collection method: clinical testing. Allele origin: germline. Inheritance: Autosomal dominant inheritance. Affected: yes.
Comment: Based on the classification scheme VCGS_Germline_v1.3.4, this variant is classified as VUS-3A. Following criteria are met: 0103 - Dominant negative and loss of function are known mechanisms of disease in this gene and are associated with long QT syndrome 2 (MIM#613688). Gain of function is also a known mechanism associated with short QT syndrome 1 (MIM#609620) (OMIM, PMIDs: 10753933, 21777565). (I) 0107 - This gene is associated with autosomal dominant disease. (I) 0112 - The condition associated with this gene has incomplete penetrance (PMID: 20301308). (I) 0200 - Variant is predicted to result in a missense amino acid change from isoleucine to threonine. (I) 0251 - This variant is heterozygous. (I) 0301 - Variant is absent from gnomAD (both v2 and v3). (SP) 0501 - Missense variant consistently predicted to be damaging by multiple in silico tools but uninformative conservation with a moderate amino acid change. (SP) 0604 - Variant is not located in an established domain, motif, hotspot or informative constraint region. (I) 0708 - Another missense variant comparable to the one identified in this case has conflicting previous evidence for pathogenicity. p.(Ile19Phe) has been detected in individuals with LQTS (ClinVar, PMIDs: 32893267, 31520628). It has been reported as a VUS in ClinVar in a family with segregation evidence (personal communication). However, a study utilising an adapted version of the ACMG guidelines, has regarded it as likely pathogenic (PMID: 32893267). (I) 0808 - Previous reports of pathogenicity for this variant are conflicting. It has been detected in at least two families with LQTS and regarded as a VUS, including a de novo occurrence in an individual with LQTS who also harbours a variant of uncertain significance with potential clinical relevance (VUS-3A) in KCNQ1 (PMID: 26669661; LOVD; VCGS cohort). A study utilising an adapted version of the ACMG guidelines, has regarded it as likely pathogenic (PMID: 32893267). (I) 0905 - No published segregation evidence has been identified for this variant. This variant has been reported in a family; however, no sufficient information was provided to inform segregation (PMID: 26669661; LOVD). (I) 1007 - No published functional evidence has been identified for this variant. (I) 1208 - Inheritance information for this variant is not currently available in this individual. (I) Legend: (SP) - Supporting pathogenic, (I) - Information, (SB) - Supporting benign

Literature cited by the submitters: PubMed 10753933 (cited by Victorian Clinical Genetics Services, Murdoch Childrens Research Institute); PubMed 20301308 (cited by Victorian Clinical Genetics Services, Murdoch Childrens Research Institute); PubMed 21249148 (cited by Victorian Clinical Genetics Services, Murdoch Childrens Research Institute); PubMed 21777565 (cited by Victorian Clinical Genetics Services, Murdoch Childrens Research Institute); PubMed 24695734 (cited by Victorian Clinical Genetics Services, Murdoch Childrens Research Institute); PubMed 26669661 (cited by Victorian Clinical Genetics Services, Murdoch Childrens Research Institute); PubMed 31520628 (cited by Victorian Clinical Genetics Services, Murdoch Childrens Research Institute); PubMed 32893267 (cited by Victorian Clinical Genetics Services, Murdoch Childrens Research Institute).

NM_000238.4(KCNH2):c.56T>C (p.Ile19Thr)

Gene: KCNH2 (potassium voltage-gated channel subfamily H member 2; minus strand). Cytogenetic location: 7q36.1.
Variant type: single nucleotide variant.
Coding change: c.56T>C on transcript NM_000238.4 (MANE Select); coding-DNA position 56, T replaced by C.
Protein change: p.Ile19Thr; replaces isoleucine 19 with threonine.
Molecular consequence: missense variant. On other transcripts: non-coding transcript variant (1).
Genome position (GRCh38, 1-based): chr7:150,977,858, A>G on the plus strand (T>C on the coding strand, the complement: KCNH2 is on the minus strand). VCF-style: chr7-150977858-A-G. GRCh37 (hg19) VCF-style: chr7-150674946-A-G.
Other names: c.56T>C, p.Ile19Thr (NM_172056.3); short protein forms I19T.
Identifiers: ClinVar variation 3255226 (VCV003255226.2), dbSNP rs1802016246.